The following is an entry in ClinVar:

ClinVar aggregate classification (germline): Uncertain significance. Review status: criteria provided, multiple submitters, no conflicts (2 of 4 stars). 2 submissions from 2 submitters: Uncertain significance (2). Last evaluated 2025-07-18.

Conditions:
Hereditary cancer-predisposing syndrome. Also called: Tumor predisposition; Hereditary neoplastic syndrome; Neoplastic Syndromes, Hereditary; Hereditary Cancer Syndrome. Identifiers: Orphanet 140162, MedGen C0027672, MeSH D009386, MONDO:0015356.
Familial cancer of breast. Also called: Hereditary breast cancer; BREAST CANCER, FAMILIAL; hereditary breast carcinoma. Identifiers: Orphanet 227535, MedGen C0346153, MONDO:0016419, OMIM 114480. Disease mechanism: loss of function.

Submissions (2):

Ambry Genetics
Classification: Uncertain significance for Hereditary cancer-predisposing syndrome. Last evaluated: 2025-07-18. Review status: criteria provided, single submitter. Criteria: Ambry Variant Classification Scheme 2023. Collection method: clinical testing. Allele origin: germline.
Comment: The p.S244G variant (also known as c.730A>G), located in coding exon 4 of the BARD1 gene, results from an A to G substitution at nucleotide position 730. The serine at codon 244 is replaced by glycine, an amino acid with similar properties. This amino acid position is conserved. In addition, this alteration is predicted to be tolerated by in silico analysis. Based on the available evidence, the clinical significance of this variant remains unclear.

Labcorp Genetics (formerly Invitae), Labcorp
Classification: Uncertain significance for Familial cancer of breast. Last evaluated: 2022-11-07. Review status: criteria provided, single submitter. Criteria: Invitae Variant Classification Sherloc (09022015). Collection method: clinical testing. Allele origin: germline.
Comment: Algorithms developed to predict the effect of missense changes on protein structure and function (SIFT, PolyPhen-2, Align-GVGD) all suggest that this variant is likely to be tolerated. ClinVar contains an entry for this variant (Variation ID: 1361220). This variant has not been reported in the literature in individuals affected with BARD1-related conditions. This variant is not present in population databases (gnomAD no frequency). This sequence change replaces serine, which is neutral and polar, with glycine, which is neutral and non-polar, at codon 244 of the BARD1 protein (p.Ser244Gly). In summary, the available evidence is currently insufficient to determine the role of this variant in disease. Therefore, it has been classified as a Variant of Uncertain Significance.

NM_000465.4(BARD1):c.730A>G (p.Ser244Gly)

Gene: BARD1 (BRCA1 associated RING domain 1; minus strand). Cytogenetic location: 2q35.
Variant type: single nucleotide variant.
Coding change: c.730A>G on transcript NM_000465.4 (MANE Select); coding-DNA position 730, A replaced by G.
Protein change: p.Ser244Gly; replaces serine 244 with glycine.
Molecular consequence: missense variant. On other transcripts: non-coding transcript variant (2), intron variant (3).
Genome position (GRCh38, 1-based): chr2:214,781,144, T>C on the plus strand (A>G on the coding strand, the complement: BARD1 is on the minus strand). VCF-style: chr2-214781144-T-C. GRCh37 (hg19) VCF-style: chr2-215645868-T-C.
Other names: c.673A>G, p.Ser225Gly (NM_001282543.2); c.158+28268A>G (NM_001282548.2); c.215+15917A>G (NM_001282545.2); c.364+11153A>G (NM_001282549.2); c.730A>G (NM_000465.2); short protein forms S225G, S244G.
Identifiers: ClinVar variation 1361220 (VCV001361220.8), dbSNP rs2106110774, ClinGen allele CA350456184.